The following is an entry in ClinVar:

ClinVar aggregate classification (germline): Uncertain significance (1 of 4 stars; one submission).

Conditions:
Charcot-Marie-Tooth disease axonal type 2C (HMSN2C). Also called: Charcot-Marie-Tooth Disease Type 2, TRPV4-Related (CMT2C); CHARCOT-MARIE-TOOTH DISEASE, AXONAL, AUTOSOMAL DOMINANT, TYPE 2C; Charcot-Marie-Tooth Neuropathy Type 2C. Identifiers: Orphanet 99937, MedGen C1853710, MONDO:0011633, OMIM 606071.

Submission:

Labcorp Genetics (formerly Invitae), Labcorp
Classification: Uncertain significance for Charcot-Marie-Tooth disease axonal type 2C. Last evaluated: 2022-09-23. Review status: criteria provided, single submitter. Criteria: Invitae Variant Classification Sherloc (09022015). Collection method: clinical testing. Allele origin: germline.
Comment: This variant has not been reported in the literature in individuals affected with TRPV4-related conditions. This sequence change replaces glycine, which is neutral and non-polar, with valine, which is neutral and non-polar, at codon 539 of the TRPV4 protein (p.Gly539Val). This variant is not present in population databases (gnomAD no frequency). Advanced modeling of protein sequence and biophysical properties (such as structural, functional, and spatial information, amino acid conservation, physicochemical variation, residue mobility, and thermodynamic stability) has been performed at Invitae for this missense variant, however the output from this modeling did not meet the statistical confidence thresholds required to predict the impact of this variant on TRPV4 protein function. In summary, the available evidence is currently insufficient to determine the role of this variant in disease. Therefore, it has been classified as a Variant of Uncertain Significance.

NM_021625.5(TRPV4):c.1616G>T (p.Gly539Val)

Gene: TRPV4 (transient receptor potential cation channel subfamily V member 4; minus strand). Cytogenetic location: 12q24.11.
Variant type: single nucleotide variant.
Coding change: c.1616G>T on transcript NM_021625.5 (MANE Select); coding-DNA position 1616, G replaced by T.
Protein change: p.Gly539Val; replaces glycine 539 with valine.
Molecular consequence: missense variant.
Genome position (GRCh38, 1-based): chr12:109,793,569, C>A on the plus strand (G>T on the coding strand, the complement: TRPV4 is on the minus strand). VCF-style: chr12-109793569-C-A. GRCh37 (hg19) VCF-style: chr12-110231374-C-A.
Other names: c.1475G>T, p.Gly492Val (NM_001177428.2); c.1514G>T, p.Gly505Val (NM_001177431.2); c.1295G>T, p.Gly432Val (NM_001177433.2); c.1436G>T, p.Gly479Val (NM_147204.3); short protein forms G539V, G432V, G479V, G492V, G505V.
Identifiers: ClinVar variation 1958078 (VCV001958078.5), dbSNP rs2548728785, ClinGen allele CA386651621.
Genomic context (GRCh38, chr12:109,793,569, plus strand): 5'-CCAGGGACCTCTACTCACTAGAGCAGCTGGAAGGAGCCATCAATGAAGAGAGAATTCACT[C>A]CAGGGCATTTCTTCATGAACAAGTCTTTGATCTGGAAGACAGGAGGGGGCACGTGAAAGG-3'
Protein context (NP_067638.3, residues 529-549): IKDLFMKKCP[Gly539Val]VNSLFIDGSF